The following is an entry in ClinVar:

ClinVar aggregate classification (germline): Uncertain significance (1 of 4 stars; one submission).

Allele frequency attached by ClinVar (database versions not stated): gnomAD exomes below 0.00001; TOPMed 0.00001.
gnomAD v4.1: 1 of 1,614,198 alleles (0.000062%); highest among the groups gnomAD compares: Admixed American, 0.0017%; no homozygotes.

Submission:

Labcorp Genetics (formerly Invitae), Labcorp
Classification: Uncertain significance. Last evaluated: 2024-10-02. Review status: criteria provided, single submitter. Criteria: Invitae Variant Classification Sherloc (09022015). Collection method: clinical testing. Allele origin: germline.
Comment: This sequence change replaces serine, which is neutral and polar, with asparagine, which is neutral and polar, at codon 73 of the TNFRSF11B protein (p.Ser73Asn). This variant is not present in population databases (gnomAD no frequency). This variant has not been reported in the literature in individuals affected with TNFRSF11B-related conditions. Invitae Evidence Modeling of protein sequence and biophysical properties (such as structural, functional, and spatial information, amino acid conservation, physicochemical variation, residue mobility, and thermodynamic stability) indicates that this missense variant is not expected to disrupt TNFRSF11B protein function with a negative predictive value of 80%. In summary, the available evidence is currently insufficient to determine the role of this variant in disease. Therefore, it has been classified as a Variant of Uncertain Significance.

NM_002546.4(TNFRSF11B):c.218G>A (p.Ser73Asn)

Gene: TNFRSF11B (TNF receptor superfamily member 11b; minus strand). Cytogenetic location: 8q24.12.
Variant type: single nucleotide variant.
Coding change: c.218G>A on transcript NM_002546.4 (MANE Select); coding-DNA position 218, G replaced by A.
Protein change: p.Ser73Asn; replaces serine 73 with asparagine.
Molecular consequence: missense variant.
Genome position (GRCh38, 1-based): chr8:118,933,113, C>T on the plus strand (G>A on the coding strand, the complement: TNFRSF11B is on the minus strand). VCF-style: chr8-118933113-C-T. GRCh37 (hg19) VCF-style: chr8-119945352-C-T.
Other names: short protein forms S73N.
Identifiers: ClinVar variation 3000639 (VCV003000639.3), dbSNP rs1812352115, ClinGen allele CA371920771.